The following is an entry in ClinVar:

ClinVar aggregate classification (germline): Uncertain significance (1 of 4 stars; one submission).

Conditions:
Hereditary spastic paraplegia 64. Also called: Spastic paraplegia 64, autosomal recessive; ENTPD1-Related Neurodevelopmental Disorder. Identifiers: Orphanet 401810, MedGen C3810289, MONDO:0014303, OMIM 615683.

Allele frequency attached by ClinVar (database versions not stated): gnomAD exomes below 0.00001.
gnomAD v4.1: 1 of 1,613,414 alleles (0.000062%); highest among the groups gnomAD compares: South Asian, 0.0011%; no homozygotes.

Submission:

Labcorp Genetics (formerly Invitae), Labcorp
Classification: Uncertain significance for Hereditary spastic paraplegia 64. Last evaluated: 2026-01-26. Review status: criteria provided, single submitter. Criteria: Invitae Variant Classification Sherloc (09022015). Collection method: clinical testing. Allele origin: germline.
Comment: This sequence change replaces glutamic acid, which is acidic and polar, with glutamine, which is neutral and polar, at codon 395 of the ENTPD1 protein (p.Glu395Gln). This variant is present in population databases (no rsID available, gnomAD 0.003%). This variant has not been reported in the literature in individuals affected with ENTPD1-related conditions. ClinVar contains an entry for this variant (Variation ID: 1391502). Invitae Evidence Modeling of protein sequence and biophysical properties (such as structural, functional, and spatial information, amino acid conservation, physicochemical variation, residue mobility, and thermodynamic stability) indicates that this missense variant is not expected to disrupt ENTPD1 protein function with a negative predictive value of 80%. In summary, the available evidence is currently insufficient to determine the role of this variant in disease. Therefore, it has been classified as a Variant of Uncertain Significance.

NM_001776.6(ENTPD1):c.1183G>C (p.Glu395Gln)

Genes: ENTPD1 (ectonucleoside triphosphate diphosphohydrolase 1; plus strand), ENTPD1-AS1 (ENTPD1 antisense RNA 1; minus strand). Cytogenetic location: 10q24.1.
Variant type: single nucleotide variant.
Coding change: c.1183G>C on transcript NM_001776.6 (MANE Select); coding-DNA position 1183, G replaced by C.
Protein change: p.Glu395Gln; replaces glutamic acid 395 with glutamine.
Molecular consequence: missense variant.
Genome position (GRCh38, 1-based): chr10:95,860,577, G>C. VCF-style: chr10-95860577-G-C. GRCh37 (hg19) VCF-style: chr10-97620334-G-C.
Other names: c.1204G>C, p.Glu402Gln (NM_001098175.2); c.1219G>C, p.Glu407Gln (NM_001164178.1, NM_001320916.1); c.1060G>C, p.Glu354Gln (NM_001164179.2); c.859G>C, p.Glu287Gln (NM_001164181.1, NM_001312654.1); c.769G>C, p.Glu257Gln (NM_001164182.2, NM_001164183.2); short protein forms E287Q, E395Q, E407Q, E257Q, E354Q, E402Q.
Identifiers: ClinVar variation 1391502 (VCV001391502.6), dbSNP rs1400517603, ClinGen allele CA377824347.